The following is an entry in ClinVar:

NM_000548.5(TSC2):c.3083A>T (p.Asp1028Val)

Gene: TSC2 (TSC complex subunit 2; plus strand). Cytogenetic location: 16p13.3.
Variant type: single nucleotide variant.
Coding change: c.3083A>T on transcript NM_000548.5 (MANE Select); coding-DNA position 3083, A replaced by T.
Protein change: p.Asp1028Val; replaces aspartic acid 1028 with valine.
Molecular consequence: missense variant.
Genome position (GRCh38, 1-based): chr16:2,079,148, A>T. VCF-style: chr16-2079148-A-T. GRCh37 (hg19) VCF-style: chr16-2129149-A-T.
Other names: c.2942A>T, p.Asp981Val (NM_001406671.1); c.2939A>T, p.Asp980Val (NM_001406673.1); c.2936A>T, p.Asp979Val (NM_001406675.1); c.2933A>T, p.Asp978Val (NM_001406676.1); c.2894A>T, p.Asp965Val (NM_001406677.1); c.2840A>T, p.Asp947Val (NM_001406678.1); c.2804A>T, p.Asp935Val (NM_001406679.1); c.2483A>T, p.Asp828Val (NM_001406680.1, NM_001406682.1, NM_001406683.1); and 18 more; short protein forms D1015V, D450V, D537V, D580V, D831V, D978V, D1014V, D1028V.
Identifiers: ClinVar variation 2033708 (VCV002033708.4), dbSNP rs397515255, ClinGen allele CA394284626.

ClinVar aggregate classification (germline): Likely pathogenic (1 of 4 stars; one submission).

Conditions:
Tuberous sclerosis 2 (TSC2). Identifiers: Orphanet 805, MedGen C1860707, MONDO:0013199, OMIM 613254.

Submission:

Labcorp Genetics (formerly Invitae), Labcorp
Classification: Likely pathogenic for Tuberous sclerosis 2. Last evaluated: 2022-10-02. Review status: criteria provided, single submitter. Criteria: Invitae Variant Classification Sherloc (09022015). Collection method: clinical testing. Allele origin: germline.
Comment: This sequence change replaces aspartic acid, which is acidic and polar, with valine, which is neutral and non-polar, at codon 1028 of the TSC2 protein (p.Asp1028Val). In summary, the currently available evidence indicates that the variant is pathogenic, but additional data are needed to prove that conclusively. Therefore, this variant has been classified as Likely Pathogenic. Advanced modeling of protein sequence and biophysical properties (such as structural, functional, and spatial information, amino acid conservation, physicochemical variation, residue mobility, and thermodynamic stability) performed at Invitae indicates that this missense variant is expected to disrupt TSC2 protein function. This missense change has been observed in individual(s) with tuberous sclerosis (Invitae). This variant is not present in population databases (gnomAD no frequency).